The following is an entry in ClinVar:

ClinVar aggregate classification (germline): Likely pathogenic (1 of 4 stars; one submission).

Conditions:
Dilated cardiomyopathy 1G (CMD1G). Identifiers: Orphanet 154, MedGen C1858763, MONDO:0011400, OMIM 604145.
Autosomal recessive limb-girdle muscular dystrophy type 2J (LGMDR10). Also called: Limb-girdle muscular dystrophy, type 2J; MUSCULAR DYSTROPHY, LIMB-GIRDLE, AUTOSOMAL RECESSIVE 10. Identifiers: Orphanet 140922, MedGen C1837342, MONDO:0012127, OMIM 608807.

Submission:

Labcorp Genetics (formerly Invitae), Labcorp
Classification: Likely pathogenic for Dilated cardiomyopathy 1G; Autosomal recessive limb-girdle muscular dystrophy type 2J. Last evaluated: 2025-11-18. Review status: criteria provided, single submitter. Criteria: Invitae Variant Classification Sherloc (09022015). Collection method: clinical testing. Allele origin: germline.
Comment: This sequence change creates a premature translational stop signal (p.Ser9637*) in the TTN gene. While this is not anticipated to result in nonsense mediated decay, it is expected to create a truncated TTN protein. This variant is not present in population databases (gnomAD no frequency). This variant has not been reported in the literature in individuals affected with TTN-related conditions. ClinVar contains an entry for this variant (Variation ID: 2950740). This variant is located in the I band of TTN (PMID: 25589632). Truncating variants in this region have been reported in individuals affected with autosomal recessive centronuclear myopathy (PMID: 23975875, internal data). Truncating variants in this region have also been identified in individuals affected with autosomal dominant dilated cardiomyopathy and/or cardio-related conditions (PMID: 27869827, 32964742, internal data). In summary, the currently available evidence indicates that the variant is pathogenic, but additional data are needed to prove that conclusively. Therefore, this variant has been classified as Likely Pathogenic.

Literature cited by the submitters: PubMed 25589632; PubMed 23975875; PubMed 27869827; PubMed 32964742.

NM_001267550.2(TTN):c.28909_28922del (p.Cys9636_Ser9637insTer)

Gene: TTN (titin; minus strand). Cytogenetic location: 2q31.2.
Variant type: Deletion.
Coding change: c.28909_28922del on transcript NM_001267550.2 (MANE Select); coding-DNA positions 28909 to 28922, 14 bases deleted (AGCTTCAGCTTTGC).
Protein change: p.Cys9636_Ser9637insTer.
Molecular consequence: nonsense. On other transcripts: intron variant (3).
Genome position (GRCh38, 1-based): chr2:178,707,645-178,707,658, GCAAAGCTGAAGCT deleted on the plus strand (AGCTTCAGCTTTGC on the coding strand, the reverse complement: TTN is on the minus strand); deleting any 14 consecutive bases within chr2:178,707,645-178,707,661 gives the same sequence; the c. name uses the placement nearest the transcript's 3' end. VCF-style (leftmost placement, unchanged base first): chr2-178707644-AGCAAAGCTGAAGCT-A. GRCh37 (hg19) VCF-style: chr2-179572371-AGCAAAGCTGAAGCT-A.
Other names: c.27958_27971del, p.Cys9319_Ser9320insTer (NM_001256850.1); c.25177_25190del, p.Cys8392_Ser8393insTer (NM_133378.4); c.13282+30424_13282+30437del (NM_003319.4); c.13858+30424_13858+30437del (NM_133437.4); c.13657+30424_13657+30437del (NM_133432.3).
Identifiers: ClinVar variation 2950740 (VCV002950740.3), dbSNP rs2076078319, ClinGen allele CA1310587830.